The following is an entry in ClinVar:

NM_005585.5(SMAD6):c.640C>T (p.Arg214Cys)

Gene: SMAD6 (SMAD family member 6; plus strand). Cytogenetic location: 15q22.31.
Variant type: single nucleotide variant.
Coding change: c.640C>T on transcript NM_005585.5 (MANE Select); coding-DNA position 640, C replaced by T.
Protein change: p.Arg214Cys; replaces arginine 214 with cysteine.
Molecular consequence: missense variant. On other transcripts: non-coding transcript variant (1).
Genome position (GRCh38, 1-based): chr15:66,703,898, C>T. VCF-style: chr15-66703898-C-T. GRCh37 (hg19) VCF-style: chr15-66996236-C-T.
Other names: short protein forms R214C.
Identifiers: ClinVar variation 3798824 (VCV003798824.1).

ClinVar aggregate classification (germline): Uncertain significance (1 of 4 stars; one submission).

Conditions:
Inborn genetic diseases. Identifiers: MedGen C0950123, MeSH D030342.

Submission:

Ambry Genetics
Classification: Uncertain significance for Inborn genetic diseases. Last evaluated: 2024-12-28. Review status: criteria provided, single submitter. Criteria: Ambry Variant Classification Scheme 2023. Collection method: clinical testing. Allele origin: germline.
Comment: The p.R214C variant (also known as c.640C>T), located in coding exon 1 of the SMAD6 gene, results from a C to T substitution at nucleotide position 640. The arginine at codon 214 is replaced by cysteine, an amino acid with highly dissimilar properties. This amino acid position is conserved. In addition, the in silico prediction for this alteration is inconclusive. Based on the available evidence, the clinical significance of this variant remains unclear.